The following is an entry in ClinVar:

ClinVar aggregate classification (germline): Uncertain significance (1 of 4 stars; one submission).

Conditions:
Charcot-Marie-Tooth disease type 4A. Also called: Charcot-Marie-Tooth disease, demyelinating, autosomal recessive, type 4a. Identifiers: Orphanet 99948, MedGen C1859198, MONDO:0008961, OMIM 214400.

Submission:

Labcorp Genetics (formerly Invitae), Labcorp
Classification: Uncertain significance for Charcot-Marie-Tooth disease type 4A. Last evaluated: 2019-05-31. Review status: criteria provided, single submitter. Criteria: Invitae Variant Classification Sherloc (09022015). Collection method: clinical testing. Allele origin: germline.
Comment: This variant results in a copy number gain of the genomic region encompassing the full coding sequence of the GDAP1 gene. The boundaries of this event are unknown as they extend beyond the assayed region for this gene and therefore may encompass additional genes. As the precise location of this event is unknown, it may be in tandem or it may be located elsewhere in the genome. This variant has not been reported in the literature in individuals with GDAP1-related conditions. In summary, the available evidence is currently insufficient to determine the role of this variant in disease. Therefore, it has been classified as a Variant of Uncertain Significance.

NC_000008.11:g.(?_74349383)_(74368110_?)dup

Gene: GDAP1 (ganglioside induced differentiation associated protein 1; plus strand). Cytogenetic location: 8q21.11.
Variant type: Duplication.
Identifiers: ClinVar variation 831141 (VCV000831141.2).